The following is an entry in ClinVar:

ClinVar aggregate classification (germline): Uncertain significance (1 of 4 stars; one submission).

Conditions:
Autosomal recessive limb-girdle muscular dystrophy type 2P. Also called: MUSCULAR DYSTROPHY-DYSTROGLYCANOPATHY, LIMB-GIRDLE, DAG1-RELATED; Limb-Girdle Muscular Dystrophy Type 9C; MUSCULAR DYSTROPHY, LIMB-GIRDLE, TYPE 2P. Identifiers: Orphanet 280333, MedGen C4511963, MONDO:0013440, OMIM 613818.
Muscular dystrophy-dystroglycanopathy (congenital with brain and eye anomalies), type A9. Also called: WALKER-WARBURG SYNDROME OR MUSCLE-EYE BRAIN DISEASE, DAG1-RELATED; Muscular dystrophy-dystroglycanopathy (congenital with brain and eye anomalies), type a, 9. Identifiers: Orphanet 370997, Orphanet 899, MedGen C4225291, MONDO:0014683, OMIM 616538.

Allele frequency attached by ClinVar (database versions not stated): gnomAD exomes below 0.00001 and 0.00001.
gnomAD v4.1: 2 of 1,613,742 alleles (0.00012%); highest among the groups gnomAD compares: Admixed American, 0.0017%; no homozygotes.

Submission:

Labcorp Genetics (formerly Invitae), Labcorp
Classification: Uncertain significance for Autosomal recessive limb-girdle muscular dystrophy type 2P; Muscular dystrophy-dystroglycanopathy (congenital with brain and eye anomalies), type A9. Last evaluated: 2022-02-03. Review status: criteria provided, single submitter. Criteria: Invitae Variant Classification Sherloc (09022015). Collection method: clinical testing. Allele origin: germline.
Comment: Algorithms developed to predict the effect of missense changes on protein structure and function (SIFT, PolyPhen-2, Align-GVGD) all suggest that this variant is likely to be tolerated. In summary, the available evidence is currently insufficient to determine the role of this variant in disease. Therefore, it has been classified as a Variant of Uncertain Significance. ClinVar contains an entry for this variant (Variation ID: 970511). This sequence change replaces alanine, which is neutral and non-polar, with serine, which is neutral and polar, at codon 323 of the DAG1 protein (p.Ala323Ser). This variant is present in population databases (rs767067590, gnomAD 0.004%). This variant has not been reported in the literature in individuals affected with DAG1-related conditions.

NM_004393.6(DAG1):c.967G>T (p.Ala323Ser)

Gene: DAG1 (dystroglycan 1; plus strand). Cytogenetic location: 3p21.31.
Variant type: single nucleotide variant.
Coding change: c.967G>T on transcript NM_004393.6 (MANE Select); coding-DNA position 967, G replaced by T.
Protein change: p.Ala323Ser; replaces alanine 323 with serine.
Molecular consequence: missense variant.
Genome position (GRCh38, 1-based): chr3:49,531,478, G>T. VCF-style: chr3-49531478-G-T. GRCh37 (hg19) VCF-style: chr3-49568911-G-T.
Other names: c.967G>T, p.Ala323Ser (NM_001165928.4, NM_001177634.3, NM_001177635.3 and 9 more transcripts); short protein forms A323S.
Identifiers: ClinVar variation 970511 (VCV000970511.7), dbSNP rs767067590, ClinGen allele CA74522046.